The following is an entry in ClinVar:

NM_003873.7(NRP1):c.2562A>G (p.Leu854=)

Gene: NRP1 (neuropilin 1; minus strand). Cytogenetic location: 10p11.22.
Variant type: single nucleotide variant.
Coding change: c.2562A>G on transcript NM_003873.7 (MANE Select); coding-DNA position 2562, A replaced by G.
Protein change: p.Leu854=; no amino-acid change (leucine 854 retained).
Molecular consequence: synonymous variant. On other transcripts: non-coding transcript variant (1).
Genome position (GRCh38, 1-based): chr10:33,180,286, T>C on the plus strand (A>G on the coding strand, the complement: NRP1 is on the minus strand). VCF-style: chr10-33180286-T-C. GRCh37 (hg19) VCF-style: chr10-33469214-T-C.
Other names: c.2544A>G, p.Leu848= (NM_001244972.2); c.2541A>G, p.Leu847= (NM_001244973.2); c.2511A>G, p.Leu837= (NM_001330068.2).
Identifiers: ClinVar variation 3030707 (VCV003030707.2), dbSNP rs192644319, ClinGen allele CA5466134.

ClinVar aggregate classification (germline): Likely benign (0 of 4 stars; one submission).

Conditions:
NRP1-related disorder. Also called: NRP1-related condition.

Allele frequency attached by ClinVar (database versions not stated): gnomAD exomes 0.00001; ExAC 0.00002; gnomAD 0.00006; TOPMed 0.00014; 1000 Genomes Project 30x 0.00016; 1000 Genomes Project 0.00020.
gnomAD v4.1: 24 of 1,614,020 alleles (0.0015%); highest among the groups gnomAD compares: Admixed American, 0.022%; no homozygotes.

Submission:

PreventionGenetics, part of Exact Sciences
Classification: Likely benign for NRP1-related condition. Last evaluated: 2023-12-18. Review status: no assertion criteria provided. Collection method: clinical testing. Allele origin: germline.
Comment: This variant is classified as likely benign based on ACMG/AMP sequence variant interpretation guidelines (Richards et al. 2015 PMID: 25741868, with internal and published modifications).